The following is an entry in ClinVar:

ClinVar aggregate classification (germline): Uncertain significance (1 of 4 stars; one submission).

Conditions:
RASopathy. Also called: rasopathies; Noonan spectrum disorder. Identifiers: Orphanet 536391, MedGen C5555857, MONDO:0021060.

Submission:

Labcorp Genetics (formerly Invitae), Labcorp
Classification: Uncertain significance for RASopathy. Last evaluated: 2025-06-01. Review status: criteria provided, single submitter. Criteria: Invitae Variant Classification Sherloc (09022015). Collection method: clinical testing. Allele origin: germline.
Comment: This sequence change replaces glutamic acid, which is acidic and polar, with alanine, which is neutral and non-polar, at codon 195 of the PTPN11 protein (p.Glu195Ala). This variant is not present in population databases (gnomAD no frequency). This variant has not been reported in the literature in individuals affected with PTPN11-related conditions. Invitae Evidence Modeling of protein sequence and biophysical properties (such as structural, functional, and spatial information, amino acid conservation, physicochemical variation, residue mobility, and thermodynamic stability) has been performed for this missense variant. However, the output from this modeling did not meet the statistical confidence thresholds required to predict the impact of this variant on PTPN11 protein function. In summary, the available evidence is currently insufficient to determine the role of this variant in disease. Therefore, it has been classified as a Variant of Uncertain Significance.

NM_002834.5(PTPN11):c.584A>C (p.Glu195Ala)

Gene: PTPN11 (protein tyrosine phosphatase non-receptor type 11; plus strand). Cytogenetic location: 12q24.13.
Variant type: single nucleotide variant.
Coding change: c.584A>C on transcript NM_002834.5 (MANE Select); coding-DNA position 584, A replaced by C.
Protein change: p.Glu195Ala; replaces glutamic acid 195 with alanine.
Molecular consequence: missense variant.
Genome position (GRCh38, 1-based): chr12:112,454,622, A>C. VCF-style: chr12-112454622-A-C. GRCh37 (hg19) VCF-style: chr12-112892426-A-C.
Other names: c.584A>C, p.Glu195Ala (NM_001330437.2, NM_080601.3); c.581A>C, p.Glu194Ala (NM_001374625.1); short protein forms E194A, E195A.
Identifiers: ClinVar variation 4803089 (VCV004803089.1).